The following is an entry in ClinVar:

ClinVar aggregate classification (germline): Uncertain significance. Review status: criteria provided, multiple submitters, no conflicts (2 of 4 stars). 2 submissions from 2 submitters: Uncertain significance (2). Last evaluated 2026-01-26.

Conditions:
Hereditary cancer-predisposing syndrome. Also called: Tumor predisposition; Neoplastic Syndromes, Hereditary; Hereditary Cancer Syndrome; Hereditary neoplastic syndrome. Identifiers: Orphanet 140162, MedGen C0027672, MeSH D009386, MONDO:0015356.

Submissions (2):

Labcorp Genetics (formerly Invitae), Labcorp
Classification: Uncertain significance. Last evaluated: 2026-01-26. Review status: criteria provided, single submitter. Criteria: Invitae Variant Classification Sherloc (09022015). Collection method: clinical testing. Allele origin: germline.
Comment: This sequence change replaces leucine, which is neutral and non-polar, with arginine, which is basic and polar, at codon 32 of the POLE protein (p.Leu32Arg). This variant is not present in population databases (gnomAD no frequency). This variant has not been reported in the literature in individuals affected with POLE-related conditions. ClinVar contains an entry for this variant (Variation ID: 240636). Invitae Evidence Modeling of protein sequence and biophysical properties (such as structural, functional, and spatial information, amino acid conservation, physicochemical variation, residue mobility, and thermodynamic stability) indicates that this missense variant is not expected to disrupt POLE protein function with a negative predictive value of 80%. In summary, the available evidence is currently insufficient to determine the role of this variant in disease. Therefore, it has been classified as a Variant of Uncertain Significance.

Ambry Genetics
Classification: Uncertain significance for Hereditary cancer-predisposing syndrome. Last evaluated: 2025-03-25. Review status: criteria provided, single submitter. Criteria: Ambry Variant Classification Scheme 2023. Collection method: clinical testing. Allele origin: germline.
Comment: The p.L32R variant (also known as c.95T>G), located in coding exon 2 of the POLE gene, results from a T to G substitution at nucleotide position 95. The leucine at codon 32 is replaced by arginine, an amino acid with dissimilar properties. This amino acid position is not well conserved in available vertebrate species. In addition, this alteration is predicted to be tolerated by in silico analysis. Based on the available evidence, the clinical significance of this variant remains unclear.

NM_006231.4(POLE):c.95T>G (p.Leu32Arg)

Gene: POLE (DNA polymerase epsilon, catalytic subunit; minus strand). Cytogenetic location: 12q24.33.
Variant type: single nucleotide variant.
Coding change: c.95T>G on transcript NM_006231.4 (MANE Select); coding-DNA position 95, T replaced by G.
Protein change: p.Leu32Arg; replaces leucine 32 with arginine.
Molecular consequence: missense variant.
Genome position (GRCh38, 1-based): chr12:132,681,247, A>C on the plus strand (T>G on the coding strand, the complement: POLE is on the minus strand). VCF-style: chr12-132681247-A-C. GRCh37 (hg19) VCF-style: chr12-133257833-A-C.
Other names: short protein forms L32R.
Identifiers: ClinVar variation 240636 (VCV000240636.13), dbSNP rs878854900, ClinGen allele CA10583033.